The following is an entry in ClinVar:

NM_000180.4(GUCY2D):c.-2_3del (p.Met1fs)

Gene: GUCY2D (guanylate cyclase 2D, retinal; plus strand). Cytogenetic location: 17p13.1.
Variant type: Deletion.
Coding change: c.-2_3del on transcript NM_000180.4 (MANE Select); 2 bases upstream of the start codon through coding-DNA position 3, 5 bases deleted (CAATG; older notation c.-2_3delCAATG).
Protein change: p.Met1fs; shifts the reading frame from methionine 1.
Molecular consequence: frameshift variant, initiator codon variant.
Genome position (GRCh38, 1-based): chr17:8,003,046-8,003,050, CAATG deleted; deleting any 5 consecutive bases within chr17:8,003,045-8,003,050 gives the same sequence; the c. name uses the placement nearest the transcript's 3' end. VCF-style (leftmost placement, unchanged base first): chr17-8003044-GGCAAT-G. GRCh37 (hg19) VCF-style: chr17-7906362-GGCAAT-G.
Other names: short protein forms M1fs.
Identifiers: ClinVar variation 1066142 (VCV001066142.10), dbSNP rs1451359371, ClinGen allele CA775504311.

ClinVar aggregate classification (germline): Pathogenic/Likely pathogenic. Review status: criteria provided, multiple submitters, no conflicts (2 of 4 stars). 2 submissions from 2 submitters: Pathogenic (1); Likely pathogenic (1). Last evaluated 2024-01-10.

Conditions:
Leber congenital amaurosis 1 (LCA1). Also called: Congenital absence of the rods and cones; Leber's congenital tapetoretinal degeneration; Leber's congenital tapetoretinal dysplasia; RETINAL BLINDNESS, CONGENITAL; AMAUROSIS CONGENITA OF LEBER I. Identifiers: Orphanet 65, MedGen C2931258, MONDO:0008764, OMIM 204000.
Cone-rod dystrophy 6 (CORD6). Also called: RETINAL CONE DYSTROPHY 2; Cone dystrophy progressive. Identifiers: Orphanet 1872, MedGen C1866293, MONDO:0011143, OMIM 601777.
GUCY2D-related disorders.

Submissions (2):

Labcorp Genetics (formerly Invitae), Labcorp
Classification: Pathogenic for Leber congenital amaurosis 1; Cone-rod dystrophy 6. Last evaluated: 2024-01-10. Review status: criteria provided, single submitter. Criteria: Invitae Variant Classification Sherloc (09022015). Collection method: clinical testing. Allele origin: germline.
Comment: This sequence change affects the initiator methionine of the GUCY2D mRNA. The next in-frame methionine is located at codon 218. This variant is not present in population databases (gnomAD no frequency). Disruption of the initiator codon has been observed in individuals with autosomal recessive Leber congenital amaurosis (PMID: 10951519, 15024725). ClinVar contains an entry for this variant (Variation ID: 1066142). This variant disrupts a region of the GUCY2D protein in which other variant(s) (p.Glu103Lys) have been determined to be pathogenic (PMID: 28041643, 29178642; Invitae). This suggests that this is a clinically significant region of the protein, and that variants that disrupt it are likely to be disease-causing. For these reasons, this variant has been classified as Pathogenic.

Blueprint Genetics
Classification: Likely pathogenic for GUCY2D-related disorders. Last evaluated: 2022-07-05. Review status: criteria provided, single submitter. Criteria: ACMG Guidelines, 2015. Collection method: clinical testing. Allele origin: germline. Affected: yes. Observed: 4 variant alleles.

Literature cited by the submitters: PubMed 10951519 (cited by Labcorp Genetics (formerly Invitae), Labcorp); PubMed 15024725 (cited by Labcorp Genetics (formerly Invitae), Labcorp); PubMed 28041643 (cited by Labcorp Genetics (formerly Invitae), Labcorp); PubMed 29178642 (cited by Labcorp Genetics (formerly Invitae), Labcorp).